The following is an entry in ClinVar:

NM_000256.3(MYBPC3):c.1976T>A (p.Ile659Asn)

Gene: MYBPC3 (myosin binding protein C3; minus strand). Cytogenetic location: 11p11.2.
Variant type: single nucleotide variant.
Coding change: c.1976T>A on transcript NM_000256.3 (MANE Select); coding-DNA position 1976, T replaced by A.
Protein change: p.Ile659Asn; replaces isoleucine 659 with asparagine.
Molecular consequence: missense variant.
Genome position (GRCh38, 1-based): chr11:47,339,742, A>T on the plus strand (T>A on the coding strand, the complement: MYBPC3 is on the minus strand). VCF-style: chr11-47339742-A-T. GRCh37 (hg19) VCF-style: chr11-47361293-A-T.
Other names: short protein forms I659N.
Identifiers: ClinVar variation 3639401 (VCV003639401.2).

ClinVar aggregate classification (germline): Uncertain significance (1 of 4 stars; one submission).

Conditions:
Hypertrophic cardiomyopathy. Also called: HYPERTROPHIC MYOCARDIOPATHY. Identifiers: Orphanet 217569, MedGen C0007194, MeSH D002312, MONDO:0005045, HP:0001639.

Submission:

Labcorp Genetics (formerly Invitae), Labcorp
Classification: Uncertain significance for Hypertrophic cardiomyopathy. Last evaluated: 2024-02-07. Review status: criteria provided, single submitter. Criteria: Invitae Variant Classification Sherloc (09022015). Collection method: clinical testing. Allele origin: germline.
Comment: This sequence change replaces isoleucine, which is neutral and non-polar, with asparagine, which is neutral and polar, at codon 659 of the MYBPC3 protein (p.Ile659Asn). This variant is not present in population databases (gnomAD no frequency). This variant has not been reported in the literature in individuals affected with MYBPC3-related conditions. An algorithm developed to predict the effect of missense changes on protein structure and function (PolyPhen-2) suggests that this variant is likely to be disruptive. In summary, the available evidence is currently insufficient to determine the role of this variant in disease. Therefore, it has been classified as a Variant of Uncertain Significance.